The following is an entry in ClinVar:

ClinVar aggregate classification (germline): Uncertain significance (1 of 4 stars; one submission).

Allele frequency attached by ClinVar (database versions not stated): ExAC 0.00001; gnomAD 0.00005; TOPMed 0.00005.
gnomAD v4.1: 26 of 1,614,068 alleles (0.0016%); highest among the groups gnomAD compares: African/African-American, 0.004%; no homozygotes.

Submission:

Labcorp Genetics (formerly Invitae), Labcorp
Classification: Uncertain significance. Last evaluated: 2025-10-01. Review status: criteria provided, single submitter. Criteria: Invitae Variant Classification Sherloc (09022015). Collection method: clinical testing. Allele origin: germline.
Comment: This sequence change replaces valine, which is neutral and non-polar, with methionine, which is neutral and non-polar, at codon 375 of the ASXL1 protein (p.Val375Met). This variant is present in population databases (rs748644253, gnomAD 0.006%). This variant has not been reported in the literature in individuals affected with ASXL1-related conditions. ClinVar contains an entry for this variant (Variation ID: 2185029). An algorithm developed to predict the effect of missense changes on protein structure and function outputs the following: PolyPhen-2: "Possibly Damaging". The methionine amino acid residue is found in multiple mammalian species, which suggests that this missense change does not adversely affect protein function. In summary, the available evidence is currently insufficient to determine the role of this variant in disease. Therefore, it has been classified as a Variant of Uncertain Significance.

NM_015338.6(ASXL1):c.1123G>A (p.Val375Met)

Gene: ASXL1 (ASXL transcriptional regulator 1; plus strand). Cytogenetic location: 20q11.21.
Variant type: single nucleotide variant.
Coding change: c.1123G>A on transcript NM_015338.6 (MANE Select); coding-DNA position 1123, G replaced by A.
Protein change: p.Val375Met; replaces valine 375 with methionine.
Molecular consequence: missense variant.
Genome position (GRCh38, 1-based): chr20:32,433,321, G>A. VCF-style: chr20-32433321-G-A. GRCh37 (hg19) VCF-style: chr20-31021124-G-A.
Other names: c.940G>A, p.Val314Met (NM_001363734.1); short protein forms V314M, V375M.
Identifiers: ClinVar variation 2185029 (VCV002185029.4), dbSNP rs748644253, ClinGen allele CA9808302.